The following is an entry in ClinVar:

NM_001243177.4(ALDOA):c.404dup (p.His135fs)

Genes: ALDOA (aldolase, fructose-bisphosphate A; plus strand), LOC112694756 (uncharaterized LOC112694756; plus strand). Cytogenetic location: 16p11.2.
Variant type: Duplication.
Coding change: c.404dup on transcript NM_001243177.4 (MANE Select); coding-DNA position 404, one base duplicated (A; older notation c.404dupA).
Protein change: p.His135fs; shifts the reading frame from histidine 135.
Molecular consequence: frameshift variant. On other transcripts: 3 prime UTR variant (3).
Genome position (GRCh38, 1-based): chr16:30,067,579, A duplicated. VCF-style (leftmost placement, unchanged base first): chr16-30067578-C-CA. GRCh37 (hg19) VCF-style: chr16-30078899-C-CA.
Other names: c.*751dup (NM_001365304.2, NM_001365305.2, NM_001365307.2); c.242dup, p.His81fs (NM_001127617.2, NM_184041.5, NM_184043.2); short protein forms H135fs, H81fs.
Identifiers: ClinVar variation 3657301 (VCV003657301.2).

ClinVar aggregate classification (germline): Pathogenic (1 of 4 stars; one submission).

Conditions:
HNSHA due to aldolase A deficiency (GSD12). Also called: GLYCOGEN STORAGE DISEASE XII; GSD XII; RED CELL ALDOLASE DEFICIENCY; Glycogen storage disease due to aldolase A deficiency. Identifiers: Orphanet 57, MedGen C0272066, MONDO:0012747, OMIM 611881.

Submission:

Labcorp Genetics (formerly Invitae), Labcorp
Classification: Pathogenic for HNSHA due to aldolase A deficiency. Last evaluated: 2024-06-29. Review status: criteria provided, single submitter. Criteria: Invitae Variant Classification Sherloc (09022015). Collection method: clinical testing. Allele origin: germline.
Comment: This sequence change creates a premature translational stop signal (p.His81Glnfs*2) in the ALDOA gene. It is expected to result in an absent or disrupted protein product. Loss-of-function variants in ALDOA are known to be pathogenic (PMID: 2825199, 14615364). This variant is not present in population databases (gnomAD no frequency). This variant has not been reported in the literature in individuals affected with ALDOA-related conditions. For these reasons, this variant has been classified as Pathogenic.

Literature cited by the submitters: PubMed 2825199; PubMed 14615364.